The following is an entry in ClinVar:

NM_007194.4(CHEK2):c.424_444+35del

Gene: CHEK2 (checkpoint kinase 2; minus strand). Cytogenetic location: 22q12.1.
Variant type: Deletion.
Coding change: c.424_444+35del on transcript NM_007194.4 (MANE Select); coding-DNA position 424 through 35 bases into the intron after coding-DNA position 444, 56 bases deleted.
Molecular consequence: splice donor variant.
Genome position (GRCh38, 1-based): chr22:28,725,208-28,725,263, 56 bases deleted. GRCh37 (hg19): chr22:29,121,197-29,121,252.
Other names: c.-240_-220+35del (NM_001437942.1); c.424_444+35del (NM_001349956.3, NM_145862.3); c.-354_-334+35del (NM_001257387.3); c.517_537+35del (NM_001438295.1, NM_001438293.1); c.553_573+35del (NM_001438294.1, NM_001005735.3).
Identifiers: ClinVar variation 3721291 (VCV003721291.2).

ClinVar aggregate classification (germline): Likely pathogenic (1 of 4 stars; one submission).

Conditions:
Familial cancer of breast. Also called: BREAST CANCER, FAMILIAL; Hereditary breast cancer; hereditary breast carcinoma. Identifiers: Orphanet 227535, MedGen C0346153, MONDO:0016419, OMIM 114480. Disease mechanism: loss of function.

Submission:

Labcorp Genetics (formerly Invitae), Labcorp
Classification: Likely pathogenic for Familial cancer of breast. Last evaluated: 2024-09-22. Review status: criteria provided, single submitter. Criteria: Invitae Variant Classification Sherloc (09022015). Collection method: clinical testing. Allele origin: germline.
Comment: This variant results in the deletion of part of exon 3 (c.424_444+35del) of the CHEK2 gene. It is expected to disrupt RNA splicing. Variants that disrupt the donor or acceptor splice site typically lead to a loss of protein function (PMID: 16199547), and loss-of-function variants in CHEK2 are known to be pathogenic (PMID: 21876083, 24713400). This variant is not present in population databases (gnomAD no frequency). This variant has not been reported in the literature in individuals affected with CHEK2-related conditions. In summary, the currently available evidence indicates that the variant is pathogenic, but additional data are needed to prove that conclusively. Therefore, this variant has been classified as Likely Pathogenic.

Literature cited by the submitters: PubMed 16199547; PubMed 21876083; PubMed 24713400.